The following is an entry in ClinVar:

NM_000091.5(COL4A3):c.1806_1814del (p.603SPG[1])

Genes: COL4A3 (collagen type IV alpha 3 chain; plus strand), MFF-DT (MFF divergent transcript; minus strand). Cytogenetic location: 2q36.3.
Variant type: Deletion.
Coding change: c.1806_1814del on transcript NM_000091.5 (MANE Select); coding-DNA positions 1806 to 1814, 9 bases deleted (CTCCCCTGG; older notation c.1806_1814delCTCCCCTGG).
Protein change: p.603SPG[1].
Molecular consequence: inframe deletion.
Genome position (GRCh38, 1-based): chr2:227,272,996-227,273,004, CTCCCCTGG deleted; deleting any 9 consecutive bases within chr2:227,272,991-227,273,004 gives the same sequence; the c. name uses the placement nearest the transcript's 3' end. VCF-style (leftmost placement, unchanged base first): chr2-227272990-TCCTGGCTCC-T. GRCh37 (hg19) VCF-style: chr2-228137706-TCCTGGCTCC-T.
Other names: p.(Ser606_Gly608del); c.1806_1814del9 (NM_000091.4).
Identifiers: ClinVar variation 556517 (VCV000556517.3), dbSNP rs1444785718, ClinGen allele CA539899414.

ClinVar aggregate classification (germline): Likely pathogenic. Review status: criteria provided, single submitter (1 of 4 stars). 2 submissions from 2 submitters: Likely pathogenic (1). 1 of the submissions does not count toward it. Last evaluated 2026-02-18.

Conditions:
Hematuria, benign familial, 2 (BFH2). Identifiers: MedGen C5830421, MONDO:0958186, OMIM 620320.
Autosomal recessive Alport syndrome (ATS2). Also called: ALPORT SYNDROME 2, AUTOSOMAL RECESSIVE; COL4A4 Alport Syndrome and Thin Basement Membrane Nephropathy; COL4A3-Related Nephropathy; Alport syndrome type 2. Identifiers: Orphanet 63, Orphanet 88919, MedGen C4746745, MONDO:0008762, OMIM 203780.

Submissions (2):

Centre de Génétique Humaine, Institut de Pathologie Et de Génétique
Classification: Likely pathogenic for Hematuria, benign familial, 2. Last evaluated: 2026-02-18. Review status: criteria provided, single submitter. Criteria: ACMG Guidelines, 2015. Collection method: clinical testing. Allele origin: maternal. Inheritance: Autosomal dominant inheritance. Affected: yes. Observed: 1 variant allele, 1 heterozygote. Segregation with disease not observed.
Comment: Inframe deletion including Gly608 residue located in collagenous region (PM1 and PM4). This variant is rare: allelic frequency of 0.000062% in gnomAD v4.1.0 database (PM2).

Counsyl
Classification: Likely pathogenic for Autosomal recessive Alport syndrome. Last evaluated: 2018-02-05. Review status: no assertion criteria provided. Collection method: clinical testing. Allele origin: unknown. Not counted in ClinVar's aggregate classification.